The following is an entry in ClinVar:

NM_001363711.2(DUOX2):c.3974A>G (p.His1325Arg)

Gene: DUOX2 (dual oxidase 2; minus strand). Cytogenetic location: 15q21.1.
Variant type: single nucleotide variant.
Coding change: c.3974A>G on transcript NM_001363711.2 (MANE Select); coding-DNA position 3974, A replaced by G.
Protein change: p.His1325Arg; replaces histidine 1325 with arginine.
Molecular consequence: missense variant.
Genome position (GRCh38, 1-based): chr15:45,095,934, T>C on the plus strand (A>G on the coding strand, the complement: DUOX2 is on the minus strand). VCF-style: chr15-45095934-T-C. GRCh37 (hg19) VCF-style: chr15-45388132-T-C.
Other names: c.3974A>G, p.His1325Arg (NM_014080.5); short protein forms H1325R.
Identifiers: ClinVar variation 3608562 (VCV003608562.2).

ClinVar aggregate classification (germline): Uncertain significance (1 of 4 stars; one submission).

gnomAD v4.1: 20 of 1,612,640 alleles (0.0012%); highest among the groups gnomAD compares: East Asian, 0.0022%; no homozygotes.

Submission:

Labcorp Genetics (formerly Invitae), Labcorp
Classification: Uncertain significance. Last evaluated: 2024-07-19. Review status: criteria provided, single submitter. Criteria: Invitae Variant Classification Sherloc (09022015). Collection method: clinical testing. Allele origin: germline.
Comment: This sequence change replaces histidine, which is basic and polar, with arginine, which is basic and polar, at codon 1325 of the DUOX2 protein (p.His1325Arg). This variant is present in population databases (no rsID available, gnomAD 0.006%). This variant has not been reported in the literature in individuals affected with DUOX2-related conditions. Advanced modeling of protein sequence and biophysical properties (such as structural, functional, and spatial information, amino acid conservation, physicochemical variation, residue mobility, and thermodynamic stability) performed at Invitae indicates that this missense variant is expected to disrupt DUOX2 protein function with a positive predictive value of 80%. In summary, the available evidence is currently insufficient to determine the role of this variant in disease. Therefore, it has been classified as a Variant of Uncertain Significance.